The following is an entry in ClinVar:

ClinVar aggregate classification (germline): Uncertain significance (1 of 4 stars; one submission).

gnomAD v4.1: 13 of 1,613,226 alleles (0.00081%); highest among the groups gnomAD compares: African/African-American, 0.0013%; no homozygotes.

Submission:

GeneDx
Classification: Uncertain significance. Last evaluated: 2024-08-15. Review status: criteria provided, single submitter. Criteria: GeneDx Variant Classification Process June 2021. Collection method: clinical testing. Allele origin: germline. Affected: yes.
Comment: Not observed at significant frequency in large population cohorts (gnomAD); In silico analysis indicates that this missense variant does not alter protein structure/function; Has not been previously published as pathogenic or benign to our knowledge

NM_022893.4(BCL11A):c.2041C>G (p.Gln681Glu)

Gene: BCL11A (BCL11 transcription factor A; minus strand). Cytogenetic location: 2p16.1.
Variant type: single nucleotide variant.
Coding change: c.2041C>G on transcript NM_022893.4 (MANE Select); coding-DNA position 2041, C replaced by G.
Protein change: p.Gln681Glu; replaces glutamine 681 with glutamic acid.
Molecular consequence: missense variant. On other transcripts: intron variant (6).
Genome position (GRCh38, 1-based): chr2:60,460,871, G>C on the plus strand (C>G on the coding strand, the complement: BCL11A is on the minus strand). VCF-style: chr2-60460871-G-C. GRCh37 (hg19) VCF-style: chr2-60688006-G-C.
Other names: c.1939C>G, p.Gln647Glu (NM_001363864.1, NM_001365609.1, NM_001405711.1 and 2 more transcripts); c.2041C>G, p.Gln681Glu (NM_001405708.1, NM_001405709.1, NM_001405710.1 and 1 more transcripts); c.1885C>G, p.Gln629Glu (NM_001405713.1, NM_001405714.1, NM_001405715.1 and 3 more transcripts); c.1783C>G, p.Gln595Glu (NM_001405717.1, NM_001405718.1, NM_001405724.1); c.1708C>G, p.Gln570Glu (NM_001405720.1, NM_001405721.1); c.1585C>G, p.Gln529Glu (NM_001405725.1, NM_001405726.1, NM_001405727.1 and 1 more transcripts); c.1348C>G, p.Gln450Glu (NM_001405729.1); c.1504C>G, p.Gln502Glu (NM_001405730.1); and 5 more; short protein forms Q350E, Q450E, Q529E, Q681E, Q502E, Q647E, Q570E, Q629E.
Identifiers: ClinVar variation 3730872 (VCV003730872.1).